The following is an entry in ClinVar:

ClinVar aggregate classification (germline): Pathogenic (1 of 4 stars; one submission).

Conditions:
Developmental and epileptic encephalopathy, 9 (DEE9). Also called: PCDH19-Related X-Linked Female-Limited Epilepsy with Mental Retardation; Early infantile epileptic encephalopathy 9; JUBERG-HELLMAN SYNDROME; EPILEPSY, FEMALE-RESTRICTED, WITH MENTAL RETARDATION. Identifiers: Orphanet 101039, Orphanet 2076, MedGen C1848137, MONDO:0010246, OMIM 300088. Disease mechanism: loss of function.

Submission:

Labcorp Genetics (formerly Invitae), Labcorp
Classification: Pathogenic for Developmental and epileptic encephalopathy, 9. Last evaluated: 2023-12-09. Review status: criteria provided, single submitter. Criteria: Invitae Variant Classification Sherloc (09022015). Collection method: clinical testing. Allele origin: germline.
Comment: This sequence change creates a premature translational stop signal (p.His817Profs*13) in the PCDH19 gene. It is expected to result in an absent or disrupted protein product. Loss-of-function variants in PCDH19 are known to be pathogenic (PMID: 21053371). This variant is not present in population databases (gnomAD no frequency). This variant has not been reported in the literature in individuals affected with PCDH19-related conditions. Algorithms developed to predict the effect of sequence changes on RNA splicing suggest that this variant may create or strengthen a splice site. For these reasons, this variant has been classified as Pathogenic.

Literature cited by the submitters: PubMed 21053371.

NM_001184880.2(PCDH19):c.2449dup (p.His817fs)

Genes: PCDH19 (protocadherin 19; minus strand), LOC125467768 (CDK7 strongly-dependent group 2 enhancer GRCh37_chrX:99657381-99658580; plus strand). Cytogenetic location: Xq22.1.
Variant type: Duplication.
Coding change: c.2449dup on transcript NM_001184880.2 (MANE Select); coding-DNA position 2449, one base duplicated (C; older notation c.2449dupC).
Protein change: p.His817fs; shifts the reading frame from histidine 817.
Molecular consequence: frameshift variant.
Genome position (GRCh38, 1-based): chrX:100,402,691, G duplicated on the plus strand (C on the coding strand, the reverse complement: PCDH19 is on the minus strand); the first of 2 consecutive G bases (chrX:100,402,691-100,402,692); duplicating either gives the same sequence. VCF-style (leftmost placement, unchanged base first): chrX-100402690-T-TG. GRCh37 (hg19) VCF-style: chrX-99657688-T-TG.
Other names: c.2308dup, p.His770fs (NM_001105243.2, NM_020766.3); short protein forms H770fs, H817fs.
Identifiers: ClinVar variation 2767704 (VCV002767704.3), dbSNP rs2520956488, ClinGen allele CA2697553217.